The following is an entry in ClinVar:

NM_016507.4(CDK12):c.288C>A (p.Asn96Lys)

Genes: CDK12 (cyclin dependent kinase 12; plus strand), LOC126862553 (CDK7 strongly-dependent group 2 enhancer GRCh37_chr17:37618166-37619365; plus strand). Cytogenetic location: 17q12.
Variant type: single nucleotide variant.
Coding change: c.288C>A on transcript NM_016507.4 (MANE Select); coding-DNA position 288, C replaced by A.
Protein change: p.Asn96Lys; replaces asparagine 96 with lysine.
Molecular consequence: missense variant.
Genome position (GRCh38, 1-based): chr17:39,462,359, C>A. VCF-style: chr17-39462359-C-A. GRCh37 (hg19) VCF-style: chr17-37618612-C-A.
Other names: c.288C>A, p.Asn96Lys (NM_015083.4); short protein forms N96K.
Identifiers: ClinVar variation 4651337 (VCV004651337.1).

ClinVar aggregate classification (germline): Uncertain significance (1 of 4 stars; one submission).

gnomAD v4.1: 2 of 1,614,172 alleles (0.00012%); highest among the groups gnomAD compares: Non-Finnish European, 0.00017%; no homozygotes.

Submission:

Ambry Genetics
Classification: Uncertain significance. Last evaluated: 2025-09-27. Review status: criteria provided, single submitter. Criteria: Ambry Variant Classification Scheme 2023. Collection method: clinical testing. Allele origin: germline.
Comment: The p.N96K variant (also known as c.288C>A), located in coding exon 1 of the CDK12 gene, results from a C to A substitution at nucleotide position 288. The asparagine at codon 96 is replaced by lysine, an amino acid with similar properties. This amino acid position is conserved. In addition, this alteration is predicted to be tolerated by in silico analysis. Based on the available evidence, the clinical significance of this variant remains unclear.